The following is an entry in ClinVar:

NM_015164.4(PLEKHM2):c.2045T>C (p.Leu682Pro)

Gene: PLEKHM2 (pleckstrin homology and RUN domain containing M2; plus strand). Cytogenetic location: 1p36.21.
Variant type: single nucleotide variant.
Coding change: c.2045T>C on transcript NM_015164.4 (MANE Select); coding-DNA position 2045, T replaced by C.
Protein change: p.Leu682Pro; replaces leucine 682 with proline.
Molecular consequence: missense variant.
Genome position (GRCh38, 1-based): chr1:15,729,160, T>C. VCF-style: chr1-15729160-T-C. GRCh37 (hg19) VCF-style: chr1-16055655-T-C.
Other names: short protein forms L682P.
Identifiers: ClinVar variation 954921 (VCV000954921.9), dbSNP rs2068105572, ClinGen allele CA338569670.

ClinVar aggregate classification (germline): Uncertain significance (1 of 4 stars; one submission).

Allele frequency attached by ClinVar (database versions not stated): gnomAD exomes below 0.00001; TOPMed below 0.00001; gnomAD 0.00001.

Submission:

Labcorp Genetics (formerly Invitae), Labcorp
Classification: Uncertain significance. Last evaluated: 2019-08-19. Review status: criteria provided, single submitter. Criteria: Invitae Variant Classification Sherloc (09022015). Collection method: clinical testing. Allele origin: germline.
Comment: This sequence change replaces leucine with proline at codon 682 of the PLEKHM2 protein (p.Leu682Pro). The leucine residue is highly conserved and there is a moderate physicochemical difference between leucine and proline. This variant is not present in population databases (ExAC no frequency). This variant has not been reported in the literature in individuals with PLEKHM2-related conditions. Algorithms developed to predict the effect of missense changes on protein structure and function are either unavailable or do not agree on the potential impact of this missense change (SIFT: "Deleterious"; PolyPhen-2: "Benign"; Align-GVGD: "Class C25"). In summary, the available evidence is currently insufficient to determine the role of this variant in disease. Therefore, it has been classified as a Variant of Uncertain Significance.